The following is an entry in ClinVar:

NM_001376.5(DYNC1H1):c.11897C>T (p.Pro3966Leu)

Gene: DYNC1H1 (dynein cytoplasmic 1 heavy chain 1; plus strand). Cytogenetic location: 14q32.31.
Variant type: single nucleotide variant.
Coding change: c.11897C>T on transcript NM_001376.5 (MANE Select); coding-DNA position 11897, C replaced by T.
Protein change: p.Pro3966Leu; replaces proline 3966 with leucine.
Molecular consequence: missense variant.
Genome position (GRCh38, 1-based): chr14:102,040,629, C>T. VCF-style: chr14-102040629-C-T. GRCh37 (hg19) VCF-style: chr14-102506966-C-T.
Other names: short protein forms P3966L.
Identifiers: ClinVar variation 588985 (VCV000588985.8), dbSNP rs879254021, ClinGen allele CA391037300.
Genomic context (GRCh38, chr14:102,040,629, plus strand): 5'-CATGGGTGCTTCCACTATTGTCTCCACAGCAATTTGGCATCTGGCTGGACAGCAGCTCCC[C>T]GGAGCAGACTGTGCCCTACCTCTGGAGTGAAGAAACACCTGCAAGTAAGCCCCACTGTGG-3'
Protein context (NP_001367.2, residues 3956-3976): QFGIWLDSSS[Pro3966Leu]EQTVPYLWSE

ClinVar aggregate classification (germline): Uncertain significance. Review status: criteria provided, multiple submitters, no conflicts (2 of 4 stars). 3 submissions from 3 submitters: Uncertain significance (3). Last evaluated 2024-10-17.

Conditions:
Inborn genetic diseases. Identifiers: MedGen C0950123, MeSH D030342.
Charcot-Marie-Tooth disease axonal type 2O. Also called: Charcot-Marie-Tooth Neuropathy Type 2O; CHARCOT-MARIE-TOOTH NEUROPATHY, AXONAL, TYPE 2O; CHARCOT-MARIE-TOOTH DISEASE, AXONAL, AUTOSOMAL DOMINANT, TYPE 2O; Charcot-Marie-Tooth disease, axonal, type 20. Identifiers: Orphanet 284232, MedGen C3280220, MONDO:0013644, OMIM 614228.

Allele frequency attached by ClinVar (database versions not stated): gnomAD exomes below 0.00001; TOPMed below 0.00001; gnomAD 0.00001.
gnomAD v4.1: 9 of 1,614,072 alleles (0.00056%); highest among the groups gnomAD compares: East Asian, 0.0022%; no homozygotes.

Submissions (3):

Labcorp Genetics (formerly Invitae), Labcorp
Classification: Uncertain significance for Charcot-Marie-Tooth disease axonal type 2O. Last evaluated: 2024-10-17. Review status: criteria provided, single submitter. Criteria: Invitae Variant Classification Sherloc (09022015). Collection method: clinical testing. Allele origin: germline.
Comment: This sequence change replaces proline, which is neutral and non-polar, with leucine, which is neutral and non-polar, at codon 3966 of the DYNC1H1 protein (p.Pro3966Leu). This variant is present in population databases (no rsID available, gnomAD 0.007%). This variant has not been reported in the literature in individuals affected with DYNC1H1-related conditions. ClinVar contains an entry for this variant (Variation ID: 588985). Invitae Evidence Modeling of protein sequence and biophysical properties (such as structural, functional, and spatial information, amino acid conservation, physicochemical variation, residue mobility, and thermodynamic stability) has been performed for this missense variant. However, the output from this modeling did not meet the statistical confidence thresholds required to predict the impact of this variant on DYNC1H1 protein function. In summary, the available evidence is currently insufficient to determine the role of this variant in disease. Therefore, it has been classified as a Variant of Uncertain Significance.

GeneDx
Classification: Uncertain significance. Last evaluated: 2023-06-14. Review status: criteria provided, single submitter. Criteria: GeneDx Variant Classification Process June 2021. Collection method: clinical testing. Allele origin: germline. Affected: yes.
Comment: Not observed at significant frequency in large population cohorts (gnomAD); In silico analysis supports that this missense variant has a deleterious effect on protein structure/function; Has not been previously published as pathogenic or benign to our knowledge; This variant is associated with the following publications: (PMID: 25512093, 25609763, 26100331)

Ambry Genetics
Classification: Uncertain significance for Inborn genetic diseases. Last evaluated: 2017-05-19. Review status: criteria provided, single submitter. Criteria: Ambry Variant Classification Scheme 2023. Collection method: clinical testing. Allele origin: germline.
Comment: The p.P3966L variant (also known as c.11897C>T), located in coding exon 64 of the DYNC1H1 gene, results from a C to T substitution at nucleotide position 11897. The proline at codon 3966 is replaced by leucine, an amino acid with similar properties. This amino acid position is highly conserved in available vertebrate species. In addition, the in silico prediction for this alteration is inconclusive. Since supporting evidence is limited at this time, the clinical significance of this alteration remains unclear.